The following is an entry in ClinVar:

GRCh38/hg38 9q34.11-34.3(chr9:129068560-136495351)x3

Genes: PRDM12 (PR/SET domain 12; plus strand), PRRC2B (proline rich coiled-coil 2B; plus strand), PRRT1B (proline rich transmembrane protein 1B; plus strand), PRRX2 (paired related homeobox 2; plus strand), PRRX2-AS1 (PRRX2 antisense RNA 1; minus strand) and 534 more. Cytogenetic location: 9q34.11-34.3.
Variant type: copy number gain.
Change: copy number 3 (three copies instead of two) of chr9:129,068,560-136,495,351 (7.43 Mb, GRCh38 coordinates, 1-based), cytogenetic band 9q34.11-34.3.
Identifiers: ClinVar variation 59908 (VCV000059908.1).

ClinVar aggregate classification (germline): Pathogenic (1 of 4 stars; one submission).

Submission:

ISCA site 14
Classification: Pathogenic. Last evaluated: 2011-08-12. Review status: criteria provided, single submitter. Criteria: Kaminsky et al. (Genet Med. 2011). Collection method: clinical testing. Allele origin: unknown. Affected: yes. Observed: 1 variant allele.
Comment: Copy number variation identified through the course of routine clinical cytogenomic testing in postnatal populations. Clinical assertions have been curated as described in Kaminsky et al. 2011.